The following is an entry in ClinVar:

NM_024426.6(WT1):c.773A>G (p.Gln258Arg)

Gene: WT1 (WT1 transcription factor; minus strand). Cytogenetic location: 11p13.
Variant type: single nucleotide variant.
Coding change: c.773A>G on transcript NM_024426.6 (MANE Select); coding-DNA position 773, A replaced by G.
Protein change: p.Gln258Arg; replaces glutamine 258 with arginine.
Molecular consequence: missense variant. On other transcripts: non-coding transcript variant (1).
Genome position (GRCh38, 1-based): chr11:32,428,508, T>C on the plus strand (A>G on the coding strand, the complement: WT1 is on the minus strand). VCF-style: chr11-32428508-T-C. GRCh37 (hg19) VCF-style: chr11-32450054-T-C.
Other names: c.773A>G, p.Gln258Arg (NM_000378.6, NM_001407044.1, NM_001407045.1 and 4 more transcripts); c.122A>G, p.Gln41Arg (NM_001198551.2, NM_001198552.2); c.11A>G, p.Gln4Arg (NM_001407051.1); c.758A>G, p.Gln253Arg (NM_024425.2); short protein forms Q41R, Q258R, Q4R, Q253R.
Identifiers: ClinVar variation 836889 (VCV000836889.11), dbSNP rs1853140674, ClinGen allele CA379963274.

ClinVar aggregate classification (germline): Uncertain significance (1 of 4 stars; one submission).

Conditions:
Wilms tumor 1 (WT1). Also called: Wilms tumor, somatic. Identifiers: Orphanet 654, MedGen CN033288, MONDO:0008679, OMIM 194070.
11p partial monosomy syndrome (WAGR). Also called: WAGR Spectrum Disorder; WAGR syndrome; WAGR Complex; CHROMOSOME 11p13 DELETION SYNDROME. Identifiers: Orphanet 893, MedGen C0206115, MONDO:0008681, OMIM 194072.
Frasier syndrome. Identifiers: Orphanet 347, MedGen C0950122, MeSH D052159, MONDO:0007635, OMIM 136680.
Drash syndrome (DDS). Also called: NEPHROPATHY, WILMS TUMOR, AND GENITAL ANOMALIES; WILMS TUMOR AND PSEUDO- OR TRUE HERMAPHRODITISM. Identifiers: Orphanet 220, MedGen C0950121, MONDO:0008682, OMIM 194080.

Submission:

Labcorp Genetics (formerly Invitae), Labcorp
Classification: Uncertain significance for Wilms tumor 1; Drash syndrome; 11p partial monosomy syndrome; Frasier syndrome. Last evaluated: 2022-11-06. Review status: criteria provided, single submitter. Criteria: Invitae Variant Classification Sherloc (09022015). Collection method: clinical testing. Allele origin: germline.
Comment: In summary, the available evidence is currently insufficient to determine the role of this variant in disease. Therefore, it has been classified as a Variant of Uncertain Significance. Algorithms developed to predict the effect of missense changes on protein structure and function (SIFT, PolyPhen-2, Align-GVGD) all suggest that this variant is likely to be tolerated. ClinVar contains an entry for this variant (Variation ID: 836889). This variant has not been reported in the literature in individuals affected with WT1-related conditions. This variant is not present in population databases (gnomAD no frequency). This sequence change replaces glutamine, which is neutral and polar, with arginine, which is basic and polar, at codon 253 of the WT1 protein (p.Gln253Arg).